The following is an entry in ClinVar:

ClinVar aggregate classification (germline): Uncertain significance. Review status: criteria provided, multiple submitters, no conflicts (2 of 4 stars). 2 submissions from 2 submitters: Uncertain significance (2). Last evaluated 2022-08-06.

Conditions:
Myofibrillar myopathy 8. Identifiers: MedGen C4310645, MONDO:0014993, OMIM 617258.

Allele frequency attached by ClinVar (database versions not stated): gnomAD exomes below 0.00001; TOPMed below 0.00001; gnomAD 0.00001.
gnomAD v4.1: 5 of 1,612,044 alleles (0.00031%); highest among the groups gnomAD compares: Non-Finnish European, 0.00042%; no homozygotes.

Submissions (2):

Labcorp Genetics (formerly Invitae), Labcorp
Classification: Uncertain significance. Last evaluated: 2022-08-06. Review status: criteria provided, single submitter. Criteria: Invitae Variant Classification Sherloc (09022015). Collection method: clinical testing. Allele origin: germline.
Comment: This sequence change replaces arginine, which is basic and polar, with cysteine, which is neutral and slightly polar, at codon 132 of the PYROXD1 protein (p.Arg132Cys). This variant is not present in population databases (gnomAD no frequency). This variant has not been reported in the literature in individuals affected with PYROXD1-related conditions. Algorithms developed to predict the effect of missense changes on protein structure and function (SIFT, PolyPhen-2, Align-GVGD) all suggest that this variant is likely to be disruptive. In summary, the available evidence is currently insufficient to determine the role of this variant in disease. Therefore, it has been classified as a Variant of Uncertain Significance.

Neuberg Centre For Genomic Medicine, NCGM
Classification: Uncertain significance for Myofibrillar myopathy 8. Review status: criteria provided, single submitter. Criteria: ACMG Guidelines, 2015. Collection method: clinical testing. Allele origin: germline. Inheritance: Autosomal recessive inheritance. Affected: yes.
Comment: The missense variant in c.394C>T (p.Arg132Cys) in PYROXD1 gene has not been reported previously as a pathogenic variant nor as a benign variant, to our knowledge. The p.Arg132Cys variant is novel (not in any individuals) in gnomAD Exomes and 1000 Genomes. The amino acid Arg at position 132 is changed to a Cys changing protein sequence and it might alter its composition and physico-chemical properties. The variant is predicted to be damaging by both SIFT and PolyPhen2. The residue is conserved across species. The amino acid change p.Arg132Cys in PYROXD1 is predicted as conserved by GERP++ and PhyloP across 100 vertebrates. For these reasons, this variant has been classified as Uncertain Significance.

NM_024854.5(PYROXD1):c.394C>T (p.Arg132Cys)

Gene: PYROXD1 (pyridine nucleotide-disulphide oxidoreductase domain 1; plus strand). Cytogenetic location: 12p12.1.
Variant type: single nucleotide variant.
Coding change: c.394C>T on transcript NM_024854.5 (MANE Select); coding-DNA position 394, C replaced by T.
Protein change: p.Arg132Cys; replaces arginine 132 with cysteine.
Molecular consequence: missense variant. On other transcripts: 5 prime UTR variant (1).
Genome position (GRCh38, 1-based): chr12:21,449,671, C>T. VCF-style: chr12-21449671-C-T. GRCh37 (hg19) VCF-style: chr12-21602605-C-T.
Other names: c.181C>T, p.Arg61Cys (NM_001350912.2); c.-310C>T (NM_001350913.2); short protein forms R132C, R61C.
Identifiers: ClinVar variation 1934646 (VCV001934646.2), dbSNP rs1322343195, ClinGen allele CA384302007.
Genomic context (GRCh38, chr12:21,449,671, plus strand): 5'-CTGTGTGCTGGAGCTAAACCAAAGTTGATATGTGAAGGAAATCCTTATGTATTAGGAATC[C>T]GTGATACAGACAGTGCTCAGGTAACATTTTAAGGTTGGATCGTGAGAAGGAAAATAAAAG-3'
Protein context (NP_079130.2, residues 122-142): CEGNPYVLGI[Arg132Cys]DTDSAQEFQK